The following is an entry in ClinVar:

NM_031935.3(HMCN1):c.2099-4dup

Gene: HMCN1 (hemicentin 1; plus strand). Cytogenetic location: 1q31.1.
Variant type: Duplication.
Coding change: c.2099-4dup on transcript NM_031935.3 (MANE Select); 4 bases into the intron before coding-DNA position 2099, one base duplicated (T; older notation c.2099-4dupT).
Molecular consequence: intron variant.
Genome position (GRCh38, 1-based): chr1:185,965,798, T duplicated; the last of 7 consecutive T bases (chr1:185,965,792-185,965,798); duplicating any one gives the same sequence. VCF-style (leftmost placement, unchanged base first): chr1-185965791-G-GT. GRCh37 (hg19) VCF-style: chr1-185934923-G-GT.
Other names: c.2099-4dupT (NM_031935.2).
Identifiers: ClinVar variation 1988142 (VCV001988142.6), dbSNP rs758484035, ClinGen allele CA1291295.
Genomic context (GRCh38, chr1:185,965,791, plus strand): 5'-TTAGTAAACATAAACAAAATCCATCTGGTCTTGTGCTAAATGTTGACTATTTGCGTTTTT[G>GT]TTTTTTTCAGAAGCCCCTAAGTTGATGGTAGTTCAGAGTGAGCTCTTGGTTGCCCTTGGG-3'

ClinVar aggregate classification (germline): Benign. Review status: criteria provided, single submitter (1 of 4 stars). 2 submissions from 2 submitters: Benign (1). 1 of the submissions does not count toward it. Last evaluated 2025-09-08.

Conditions:
HMCN1-related disorder. Also called: HMCN1-related condition.

Submissions (2):

Labcorp Genetics (formerly Invitae), Labcorp
Classification: Benign. Last evaluated: 2025-09-08. Review status: criteria provided, single submitter. Criteria: Invitae Variant Classification Sherloc (09022015). Collection method: clinical testing. Allele origin: germline.

PreventionGenetics, part of Exact Sciences
Classification: Likely benign for HMCN1-related condition. Last evaluated: 2020-07-30. Review status: no assertion criteria provided. Collection method: clinical testing. Allele origin: germline. Not counted in ClinVar's aggregate classification.
Comment: This variant is classified as likely benign based on ACMG/AMP sequence variant interpretation guidelines (Richards et al. 2015 PMID: 25741868, with internal and published modifications).